The following is an entry in ClinVar:

ClinVar aggregate classification (germline): Uncertain significance (1 of 4 stars; one submission).

Submission:

Labcorp Genetics (formerly Invitae), Labcorp
Classification: Uncertain significance. Last evaluated: 2023-07-31. Review status: criteria provided, single submitter. Criteria: Invitae Variant Classification Sherloc (09022015). Collection method: clinical testing. Allele origin: germline.
Comment: This sequence change replaces isoleucine, which is neutral and non-polar, with asparagine, which is neutral and polar, at codon 944 of the SAMD9 protein (p.Ile944Asn). This variant is not present in population databases (gnomAD no frequency). This variant has not been reported in the literature in individuals affected with SAMD9-related conditions. Advanced modeling of protein sequence and biophysical properties (such as structural, functional, and spatial information, amino acid conservation, physicochemical variation, residue mobility, and thermodynamic stability) has been performed at Invitae for this missense variant, however the output from this modeling did not meet the statistical confidence thresholds required to predict the impact of this variant on SAMD9 protein function. In summary, the available evidence is currently insufficient to determine the role of this variant in disease. Therefore, it has been classified as a Variant of Uncertain Significance.

NM_017654.4(SAMD9):c.2831T>A (p.Ile944Asn)

Gene: SAMD9 (sterile alpha motif domain containing 9; minus strand). Cytogenetic location: 7q21.2.
Variant type: single nucleotide variant.
Coding change: c.2831T>A on transcript NM_017654.4 (MANE Select); coding-DNA position 2831, T replaced by A.
Protein change: p.Ile944Asn; replaces isoleucine 944 with asparagine.
Molecular consequence: missense variant.
Genome position (GRCh38, 1-based): chr7:93,103,267, A>T on the plus strand (T>A on the coding strand, the complement: SAMD9 is on the minus strand). VCF-style: chr7-93103267-A-T. GRCh37 (hg19) VCF-style: chr7-92732580-A-T.
Other names: c.2831T>A, p.Ile944Asn (NM_001193307.2); short protein forms I944N.
Identifiers: ClinVar variation 2746837 (VCV002746837.3), dbSNP rs1261886731, ClinGen allele CA368189450.
Genomic context (GRCh38, chr7:93,103,267, plus strand): 5'-GAGTAGGTGCCCATCTTGTCTTCAAATTTTTCTGTCCCCCAGAAAGCCTTCTTGTTTCCA[A>T]TTCCTAAGAATTTTTCACACTGTGATAGTGAAATGGTGGTATCAGGCACATATGAATTAA-3'
Protein context (NP_060124.2, residues 934-954): SLSQCEKFLG[Ile944Asn]GNKKAFWGTE